The following is an entry in ClinVar:

NM_001184880.2(PCDH19):c.810C>G (p.Asn270Lys)

Gene: PCDH19 (protocadherin 19; minus strand). Cytogenetic location: Xq22.1.
Variant type: single nucleotide variant.
Coding change: c.810C>G on transcript NM_001184880.2 (MANE Select); coding-DNA position 810, C replaced by G.
Protein change: p.Asn270Lys; replaces asparagine 270 with lysine.
Molecular consequence: missense variant.
Genome position (GRCh38, 1-based): chrX:100,407,788, G>C on the plus strand (C>G on the coding strand, the complement: PCDH19 is on the minus strand). VCF-style: chrX-100407788-G-C. GRCh37 (hg19) VCF-style: chrX-99662786-G-C.
Other names: c.810C>G, p.Asn270Lys (NM_001105243.2, NM_020766.3); short protein forms N270K.
Identifiers: ClinVar variation 1710290 (VCV001710290.7), dbSNP rs2147540518, ClinGen allele CA414007994.
Genomic context (GRCh38, chrX:100,407,788, plus strand): 5'-CTGAAAGAGCTCGCGCGTGCGGTCGTTGACGTAGCCATAGAAGGAGTAGACCACCTGGCC[G>C]TTGGTGCCCTCGTCTGGATCGCTGGCGTTGAGGCGGATGACGGGTGTGTTGGGAGGCGAG-3'
Protein context (NP_001171809.1, residues 260-280): LNASDPDEGT[Asn270Lys]GQVVYSFYGY

ClinVar aggregate classification (germline): Pathogenic/Likely pathogenic. Review status: criteria provided, multiple submitters, no conflicts (2 of 4 stars). 2 submissions from 2 submitters: Pathogenic (1); Likely pathogenic (1). Last evaluated 2025-01-06.

Conditions:
Developmental and epileptic encephalopathy, 9 (DEE9). Also called: EPILEPSY, FEMALE-RESTRICTED, WITH MENTAL RETARDATION; PCDH19-Related X-Linked Female-Limited Epilepsy with Mental Retardation; Early infantile epileptic encephalopathy 9; JUBERG-HELLMAN SYNDROME. Identifiers: Orphanet 101039, Orphanet 2076, MedGen C1848137, MONDO:0010246, OMIM 300088. Disease mechanism: loss of function.

Submissions (2):

Labcorp Genetics (formerly Invitae), Labcorp
Classification: Pathogenic for Developmental and epileptic encephalopathy, 9. Last evaluated: 2025-01-06. Review status: criteria provided, single submitter. Criteria: Invitae Variant Classification Sherloc (09022015). Collection method: clinical testing. Allele origin: germline.
Comment: This sequence change replaces asparagine, which is neutral and polar, with lysine, which is basic and polar, at codon 270 of the PCDH19 protein (p.Asn270Lys). This variant is not present in population databases (gnomAD no frequency). This missense change has been observed in individual(s) with clinical features of PCDH19-related conditions (internal data). In at least one individual the variant was observed to be de novo. ClinVar contains an entry for this variant (Variation ID: 1710290). Invitae Evidence Modeling of protein sequence and biophysical properties (such as structural, functional, and spatial information, amino acid conservation, physicochemical variation, residue mobility, and thermodynamic stability) indicates that this missense variant is expected to disrupt PCDH19 protein function with a positive predictive value of 95%. For these reasons, this variant has been classified as Pathogenic.

Pediatric Department, Peking University First Hospital
Classification: Likely pathogenic for Developmental and epileptic encephalopathy, 9. Last evaluated: 2022-06-01. Review status: criteria provided, single submitter. Criteria: ACMG Guidelines, 2015. Collection method: research. Allele origin: de novo. Affected: yes.